The following is an entry in ClinVar:

ClinVar aggregate classification (germline): Likely benign (1 of 4 stars; one submission).

Allele frequency attached by ClinVar (database versions not stated): 1000 Genomes Project 0.00359; 1000 Genomes Project 30x 0.00390; ExAC 0.00535; gnomAD 0.00566; TOPMed 0.00624; ESP Exome Variant Server 0.00630; gnomAD exomes 0.00772.

Submission:

CeGaT Center for Human Genetics Tuebingen
Classification: Likely benign. Last evaluated: 2022-08-01. Review status: criteria provided, single submitter. Criteria: CeGaT Center For Human Genetics Tuebingen Variant Classification Criteria Version 2. Collection method: clinical testing. Allele origin: germline. Affected: yes. Observed: 1 variant allele.
Comment: RASL11A: BP4, BP7

NM_206827.2(RASL11A):c.264C>T (p.Ile88=)

Gene: RASL11A (RAS like family 11 member A; plus strand). Cytogenetic location: 13q12.2.
Variant type: single nucleotide variant.
Coding change: c.264C>T on transcript NM_206827.2 (MANE Select); coding-DNA position 264, C replaced by T.
Protein change: p.Ile88=; no amino-acid change (isoleucine 88 retained).
Molecular consequence: synonymous variant.
Genome position (GRCh38, 1-based): chr13:27,273,029, C>T. VCF-style: chr13-27273029-C-T. GRCh37 (hg19) VCF-style: chr13-27847166-C-T.
Other names: c.138C>T, p.Ile46= (NM_001331126.2).
Identifiers: ClinVar variation 2643705 (VCV002643705.24), dbSNP rs41291668, ClinGen allele CA6926031.
Genomic context (GRCh38, chr13:27,273,029, plus strand): 5'-TGAGTTTATCTCCCACTGAGGGTTTCCTTGACTGGATCTCATTTTGATGTTTTCTCAGAT[C>T]CAAGACAGCCTCCCCCAGGTCGTCGATTCCCTGTCCAAATGCGTGCAGTGGGCCGAGGGT-3'
Protein context (NP_996563.1, residues 78-98): QIQDTPGGVQ[Ile88=]QDSLPQVVDS